The following is an entry in ClinVar:

NM_001184.4(ATR):c.1170+3A>G

Gene: ATR (ATR checkpoint kinase; minus strand). Cytogenetic location: 3q23.
Variant type: single nucleotide variant.
Coding change: c.1170+3A>G on transcript NM_001184.4 (MANE Select); 3 bases into the intron after coding-DNA position 1170, A replaced by G.
Molecular consequence: intron variant.
Genome position (GRCh38, 1-based): chr3:142,562,229, T>C on the plus strand (A>G on the coding strand, the complement: ATR is on the minus strand). VCF-style: chr3-142562229-T-C. GRCh37 (hg19) VCF-style: chr3-142281071-T-C.
Other names: c.1170+3A>G (NM_001354579.2).
Identifiers: ClinVar variation 2179875 (VCV002179875.2), dbSNP rs1294898849, ClinGen allele CA546893968.

ClinVar aggregate classification (germline): Uncertain significance. Review status: criteria provided, multiple submitters, no conflicts (2 of 4 stars). 2 submissions from 2 submitters: Uncertain significance (2). Last evaluated 2024-05-15.

Conditions:
Seckel syndrome 1 (SCKL1). Also called: MICROCEPHALIC PRIMORDIAL DWARFISM I. Identifiers: Orphanet 808, MedGen C4551474, MONDO:0008869, OMIM 210600.
Familial cutaneous telangiectasia and oropharyngeal predisposition cancer syndrome. Identifiers: Orphanet 313846, MedGen C3281203, MONDO:0013806, OMIM 614564.

Allele frequency attached by ClinVar (database versions not stated): gnomAD exomes 0.00001; TOPMed 0.00001.
gnomAD v4.1: 5 of 1,614,042 alleles (0.00031%); highest among the groups gnomAD compares: Admixed American, 0.0033%; no homozygotes.

Submissions (2):

Fulgent Genetics
Classification: Uncertain significance for Seckel syndrome 1; Familial cutaneous telangiectasia and oropharyngeal predisposition cancer syndrome. Last evaluated: 2024-05-15. Review status: criteria provided, single submitter. Criteria: ACMG Guidelines, 2015. Collection method: clinical testing. Allele origin: germline.

Labcorp Genetics (formerly Invitae), Labcorp
Classification: Uncertain significance. Last evaluated: 2022-02-11. Review status: criteria provided, single submitter. Criteria: Invitae Variant Classification Sherloc (09022015). Collection method: clinical testing. Allele origin: germline.
Comment: This sequence change falls in intron 4 of the ATR gene. It does not directly change the encoded amino acid sequence of the ATR protein. It affects a nucleotide within the consensus splice site. This variant is present in population databases (no rsID available, gnomAD 0.003%). This variant has not been reported in the literature in individuals affected with ATR-related conditions. Variants that disrupt the consensus splice site are a relatively common cause of aberrant splicing (PMID: 17576681, 9536098). Algorithms developed to predict the effect of sequence changes on RNA splicing suggest that this variant is not likely to affect RNA splicing. In summary, the available evidence is currently insufficient to determine the role of this variant in disease. Therefore, it has been classified as a Variant of Uncertain Significance.

Literature cited by the submitters: PubMed 17576681 (cited by Labcorp Genetics (formerly Invitae), Labcorp); PubMed 9536098 (cited by Labcorp Genetics (formerly Invitae), Labcorp).